The following is an entry in ClinVar:

ClinVar aggregate classification (germline): Uncertain significance (1 of 4 stars; one submission).

Submission:

Labcorp Genetics (formerly Invitae), Labcorp
Classification: Uncertain significance. Last evaluated: 2024-10-29. Review status: criteria provided, single submitter. Criteria: Invitae Variant Classification Sherloc (09022015). Collection method: clinical testing. Allele origin: germline.
Comment: This sequence change replaces histidine, which is basic and polar, with glutamine, which is neutral and polar, at codon 261 of the ZNF143 protein (p.His261Gln). This variant is not present in population databases (gnomAD no frequency). This variant has not been reported in the literature in individuals affected with ZNF143-related conditions. An algorithm developed to predict the effect of missense changes on protein structure and function (PolyPhen-2) suggests that this variant is likely to be disruptive. In summary, the available evidence is currently insufficient to determine the role of this variant in disease. Therefore, it has been classified as a Variant of Uncertain Significance.

NM_003442.6(ZNF143):c.783C>A (p.His261Gln)

Gene: ZNF143 (zinc finger protein 143; plus strand). Cytogenetic location: 11p15.4.
Variant type: single nucleotide variant.
Coding change: c.783C>A on transcript NM_003442.6 (MANE Select); coding-DNA position 783, C replaced by A.
Protein change: p.His261Gln; replaces histidine 261 with glutamine.
Molecular consequence: missense variant.
Genome position (GRCh38, 1-based): chr11:9,496,320, C>A. VCF-style: chr11-9496320-C-A. GRCh37 (hg19) VCF-style: chr11-9517867-C-A.
Other names: c.780C>A, p.His260Gln (NM_001282656.2); c.690C>A, p.His230Gln (NM_001282657.2); short protein forms H230Q, H261Q, H260Q.
Identifiers: ClinVar variation 3683338 (VCV003683338.2).